The following is an entry in ClinVar:

NM_016239.4(MYO15A):c.3200C>T (p.Ala1067Val)

Gene: MYO15A (myosin XVA; plus strand). Cytogenetic location: 17p11.2.
Variant type: single nucleotide variant.
Coding change: c.3200C>T on transcript NM_016239.4 (MANE Select); coding-DNA position 3200, C replaced by T.
Protein change: p.Ala1067Val; replaces alanine 1067 with valine.
Molecular consequence: missense variant.
Genome position (GRCh38, 1-based): chr17:18,122,000, C>T. VCF-style: chr17-18122000-C-T. GRCh37 (hg19) VCF-style: chr17-18025314-C-T.
Other names: short protein forms A1067V.
Identifiers: ClinVar variation 4982521 (VCV004982521.1).

ClinVar aggregate classification (germline): Uncertain significance (1 of 4 stars; one submission).

Conditions:
MYO15A-related disorder. Also called: MYO15A-related condition.

gnomAD v4.1: 21 of 1,613,156 alleles (0.0013%); highest among the groups gnomAD compares: South Asian, 0.0055%; no homozygotes.

Submission:

PreventionGenetics, part of Exact Sciences
Classification: Uncertain significance for MYO15A-related condition. Last evaluated: 2025-05-29. Review status: criteria provided, single submitter. Criteria: ACMG Guidelines, 2015. Collection method: clinical testing. Allele origin: germline.
Comment: The MYO15A c.3200C>T variant is predicted to result in the amino acid substitution p.Ala1067Val. To our knowledge, this variant has not been reported in the literature. This variant is reported in 0.0041% of alleles in individuals of African descent in gnomAD. At this time, the clinical significance of this variant is uncertain due to the absence of conclusive functional and genetic evidence.